The following is an entry in ClinVar:

NM_018713.3(SLC30A10):c.322G>A (p.Glu108Lys)

Gene: SLC30A10 (solute carrier family 30 member 10; minus strand). Cytogenetic location: 1q41.
Variant type: single nucleotide variant.
Coding change: c.322G>A on transcript NM_018713.3 (MANE Select); coding-DNA position 322, G replaced by A.
Protein change: p.Glu108Lys; replaces glutamic acid 108 with lysine.
Molecular consequence: missense variant. On other transcripts: non-coding transcript variant (1), intron variant (1).
Genome position (GRCh38, 1-based): chr1:219,928,119, C>T on the plus strand (G>A on the coding strand, the complement: SLC30A10 is on the minus strand). VCF-style: chr1-219928119-C-T. GRCh37 (hg19) VCF-style: chr1-220101461-C-T.
Other names: c.452-1014G>A (NM_001376929.1); short protein forms E108K.
Identifiers: ClinVar variation 1440330 (VCV001440330.23), dbSNP rs1329536880, ClinGen allele CA344733878.

ClinVar aggregate classification (germline): Uncertain significance. Review status: criteria provided, multiple submitters, no conflicts (2 of 4 stars). 2 submissions from 2 submitters: Uncertain significance (2). Last evaluated 2025-11-19.

Allele frequency attached by ClinVar (database versions not stated): TOPMed below 0.00001; gnomAD exomes 0.00002.
gnomAD v4.1: 22 of 1,569,314 alleles (0.0014%); highest among the groups gnomAD compares: Non-Finnish European, 0.0018%; no homozygotes.

Submissions (2):

Labcorp Genetics (formerly Invitae), Labcorp
Classification: Uncertain significance. Last evaluated: 2025-11-19. Review status: criteria provided, single submitter. Criteria: Invitae Variant Classification Sherloc (09022015). Collection method: clinical testing. Allele origin: germline.
Comment: This sequence change replaces glutamic acid, which is acidic and polar, with lysine, which is basic and polar, at codon 108 of the SLC30A10 protein (p.Glu108Lys). This variant is not present in population databases (gnomAD no frequency). This variant has not been reported in the literature in individuals affected with SLC30A10-related conditions. ClinVar contains an entry for this variant (Variation ID: 1440330). Invitae Evidence Modeling of protein sequence and biophysical properties (such as structural, functional, and spatial information, amino acid conservation, physicochemical variation, residue mobility, and thermodynamic stability) has been performed for this missense variant. However, the output from this modeling did not meet the statistical confidence thresholds required to predict the impact of this variant on SLC30A10 protein function. In summary, the available evidence is currently insufficient to determine the role of this variant in disease. Therefore, it has been classified as a Variant of Uncertain Significance.

CeGaT Center for Human Genetics Tuebingen
Classification: Uncertain significance. Last evaluated: 2024-07-01. Review status: criteria provided, single submitter. Criteria: CeGaT Center For Human Genetics Tuebingen Variant Classification Criteria Version 2. Collection method: clinical testing. Allele origin: germline. Affected: yes. Observed: 1 variant allele.
Comment: SLC30A10: PM2, PP2